The following is an entry in ClinVar:

ClinVar aggregate classification (germline): Uncertain significance (1 of 4 stars; one submission).

Conditions:
Dilated cardiomyopathy 1KK (CMD1KK). Identifiers: Orphanet 154, Orphanet 75249, MedGen C3714995, MONDO:0014100, OMIM 615248.

Submission:

Labcorp Genetics (formerly Invitae), Labcorp
Classification: Uncertain significance for Dilated cardiomyopathy 1KK. Last evaluated: 2022-07-18. Review status: criteria provided, single submitter. Criteria: Invitae Variant Classification Sherloc (09022015). Collection method: clinical testing. Allele origin: germline.
Comment: In summary, the available evidence is currently insufficient to determine the role of this variant in disease. Therefore, it has been classified as a Variant of Uncertain Significance. Algorithms developed to predict the effect of missense changes on protein structure and function output the following: SIFT: "Tolerated"; PolyPhen-2: "Benign"; Align-GVGD: "Class C0". The proline amino acid residue is found in multiple mammalian species, which suggests that this missense change does not adversely affect protein function. This variant has not been reported in the literature in individuals affected with MYPN-related conditions. This variant is not present in population databases (gnomAD no frequency). This sequence change replaces serine, which is neutral and polar, with proline, which is neutral and non-polar, at codon 197 of the MYPN protein (p.Ser197Pro).

NM_032578.4(MYPN):c.589T>C (p.Ser197Pro)

Gene: MYPN (myopalladin; plus strand). Cytogenetic location: 10q21.3.
Variant type: single nucleotide variant.
Coding change: c.589T>C on transcript NM_032578.4 (MANE Select); coding-DNA position 589, T replaced by C.
Protein change: p.Ser197Pro; replaces serine 197 with proline.
Molecular consequence: missense variant. On other transcripts: 5 prime UTR variant (1), non-coding transcript variant (1).
Genome position (GRCh38, 1-based): chr10:68,122,027, T>C. VCF-style: chr10-68122027-T-C. GRCh37 (hg19) VCF-style: chr10-69881784-T-C.
Other names: c.589T>C, p.Ser197Pro (NM_001256267.2); c.-534T>C (NM_001256268.2); short protein forms S197P.
Identifiers: ClinVar variation 1935898 (VCV001935898.5), dbSNP rs2495464736, ClinGen allele CA377104698.